The following is an entry in ClinVar:

NC_000020.11:g.(?_10405227)_(10413534_?)del

Gene: MKKS (MKKS centrosomal shuttling protein; minus strand). Cytogenetic location: 20p12.2.
Variant type: Deletion.
Identifiers: ClinVar variation 584330 (VCV000584330.2).

ClinVar aggregate classification (germline): Pathogenic (1 of 4 stars; one submission).

Conditions:
Bardet-Biedl syndrome (BBS). Identifiers: Orphanet 110, MedGen C0752166, MONDO:0015229.
McKusick-Kaufman syndrome (MKKS). Also called: HYDROMETROCOLPOS SYNDROME; HYDROMETROCOLPOS, POSTAXIAL POLYDACTYLY, AND CONGENITAL HEART MALFORMATION. Identifiers: Orphanet 2473, MedGen C0948368, MONDO:0009367, OMIM 236700.

Submission:

Labcorp Genetics (formerly Invitae), Labcorp
Classification: Pathogenic for McKusick Kaufman syndrome; Bardet-Biedl syndrome. Last evaluated: 2018-10-04. Review status: criteria provided, single submitter. Criteria: Invitae Variant Classification Sherloc (09022015). Collection method: clinical testing. Allele origin: germline.
Comment: A gross deletion of the genomic region encompassing the full coding sequence of the MKKS gene has been identified. The boundaries of this event are unknown as the deletion extends beyond the assayed region for this gene and therefore may encompass additional genes. This variant has not been reported in the literature in individuals with MKKS-related disease. Loss-of-function variants in MKKS are known to be pathogenic (PMID: 12107442, 2017770). For these reasons, this variant has been classified as Pathogenic.